The following is an entry in ClinVar:

NM_001040142.2(SCN2A):c.2757A>G (p.Glu919=)

Gene: SCN2A (sodium voltage-gated channel alpha subunit 2; plus strand). Cytogenetic location: 2q24.3.
Variant type: single nucleotide variant.
Coding change: c.2757A>G on transcript NM_001040142.2 (MANE Select); coding-DNA position 2757, A replaced by G.
Protein change: p.Glu919=; no amino-acid change (glutamic acid 919 retained).
Molecular consequence: synonymous variant.
Genome position (GRCh38, 1-based): chr2:165,344,749, A>G. VCF-style: chr2-165344749-A-G. GRCh37 (hg19) VCF-style: chr2-166201259-A-G.
Other names: c.2757A>G, p.Glu919= (NM_001040143.2, NM_001371246.1, NM_001371247.1 and 1 more transcripts).
Identifiers: ClinVar variation 379408 (VCV000379408.4), dbSNP rs1057520595, ClinGen allele CA16603817.

ClinVar aggregate classification (germline): Likely benign. Review status: criteria provided, multiple submitters, no conflicts (2 of 4 stars). 2 submissions from 2 submitters: Likely benign (2). Last evaluated 2022-12-06.

Conditions:
Seizures, benign familial infantile, 3 (BFIS3). Also called: Familial neonatal seizures; CONVULSIONS, BENIGN FAMILIAL INFANTILE, 3. Identifiers: Orphanet 140927, Orphanet 306, MedGen C1843140, MONDO:0011904, OMIM 607745.
Developmental and epileptic encephalopathy, 11 (DEE11). Also called: Early infantile epileptic encephalopathy 11. Identifiers: Orphanet 1934, MedGen C3150987, MONDO:0013388, OMIM 613721.

Allele frequency attached by ClinVar (database versions not stated): gnomAD exomes below 0.00001; TOPMed below 0.00001.
gnomAD v4.1: 1 of 1,613,988 alleles (0.000062%); highest among the groups gnomAD compares: Middle Eastern, 0.017%; no homozygotes.

Submissions (2):

Labcorp Genetics (formerly Invitae), Labcorp
Classification: Likely benign for Seizures, benign familial infantile, 3; Developmental and epileptic encephalopathy, 11. Last evaluated: 2022-12-06. Review status: criteria provided, single submitter. Criteria: Invitae Variant Classification Sherloc (09022015). Collection method: clinical testing. Allele origin: germline.

GeneDx
Classification: Likely benign. Last evaluated: 2016-08-19. Review status: criteria provided, single submitter. Criteria: GeneDx Variant Classification (06012015). Collection method: clinical testing. Allele origin: germline. Affected: yes.
Comment: This variant is considered likely benign or benign based on one or more of the following criteria: it is a conservative change, it occurs at a poorly conserved position in the protein, it is predicted to be benign by multiple in silico algorithms, and/or has population frequency not consistent with disease.